The following is an entry in ClinVar:

NM_020822.3(KCNT1):c.434G>A (p.Cys145Tyr)

Gene: KCNT1 (potassium sodium-activated channel subfamily T member 1; plus strand). Cytogenetic location: 9q34.3.
Variant type: single nucleotide variant.
Coding change: c.434G>A on transcript NM_020822.3 (MANE Select); coding-DNA position 434, G replaced by A.
Protein change: p.Cys145Tyr; replaces cysteine 145 with tyrosine.
Molecular consequence: missense variant.
Genome position (GRCh38, 1-based): chr9:135,751,041, G>A. VCF-style: chr9-135751041-G-A. GRCh37 (hg19) VCF-style: chr9-138642887-G-A.
Other names: c.290G>A, p.Cys97Tyr (NM_001272003.2); short protein forms C145Y, C97Y.
Identifiers: ClinVar variation 1042159 (VCV001042159.9), dbSNP rs1831132002, ClinGen allele CA375495152.

ClinVar aggregate classification (germline): Uncertain significance (1 of 4 stars; one submission).

Conditions:
Autosomal dominant nocturnal frontal lobe epilepsy 5. Also called: KCNT1-Related Epilepsy; CILIARY DYSKINESIA, PRIMARY, 28, WITHOUT SITUS INVERSUS; CILIARY DYSKINESIA, PRIMARY, 28, WITH SITUS INVERSUS; Epilepsy, nocturnal frontal lobe, 5. Identifiers: Orphanet 98784, MedGen C3554306, MONDO:0014002, OMIM 615005.
Developmental and epileptic encephalopathy, 14 (DEE14). Also called: Early infantile epileptic encephalopathy 14. Identifiers: Orphanet 293181, MedGen C3554195, MONDO:0013989, OMIM 614959.

Submission:

Labcorp Genetics (formerly Invitae), Labcorp
Classification: Uncertain significance for Autosomal dominant nocturnal frontal lobe epilepsy 5; Developmental and epileptic encephalopathy, 14. Last evaluated: 2020-10-08. Review status: criteria provided, single submitter. Criteria: Invitae Variant Classification Sherloc (09022015). Collection method: clinical testing. Allele origin: germline.
Comment: This variant has not been reported in the literature in individuals with KCNT1-related conditions. Algorithms developed to predict the effect of missense changes on protein structure and function are either unavailable or do not agree on the potential impact of this missense change (SIFT: "Tolerated"; PolyPhen-2: "Possibly Damaging"; Align-GVGD: "Class C0"). Nucleotide substitutions within the consensus splice site are a relatively common cause of aberrant splicing (PMID: 17576681, 9536098). Algorithms developed to predict the effect of sequence changes on RNA splicing suggest that this variant may disrupt the consensus splice site, but this prediction has not been confirmed by published transcriptional studies. In summary, the available evidence is currently insufficient to determine the role of this variant in disease. Therefore, it has been classified as a Variant of Uncertain Significance. This sequence change replaces cysteine with tyrosine at codon 145 of the KCNT1 protein (p.Cys145Tyr). The cysteine residue is moderately conserved and there is a large physicochemical difference between cysteine and tyrosine. This variant also falls at the last nucleotide of exon 4 of the KCNT1 coding sequence, which is part of the consensus splice site for this exon. This variant is not present in population databases (ExAC no frequency).

Literature cited by the submitters: PubMed 17576681; PubMed 9536098.